The following is an entry in ClinVar:

ClinVar aggregate classification (germline): Uncertain significance (1 of 4 stars; one submission).

Conditions:
Inborn genetic diseases. Identifiers: MedGen C0950123, MeSH D030342.

Submission:

Ambry Genetics
Classification: Uncertain significance for Inborn genetic diseases. Last evaluated: 2025-02-22. Review status: criteria provided, single submitter. Criteria: Ambry Variant Classification Scheme 2023. Collection method: clinical testing. Allele origin: germline.
Comment: The p.P1323S variant (also known as c.3967C>T), located in coding exon 14 of the FANCM gene, results from a C to T substitution at nucleotide position 3967. The proline at codon 1323 is replaced by serine, an amino acid with similar properties. This amino acid position is conserved. In addition, this alteration is predicted to be tolerated by in silico analysis. Based on the available evidence, the clinical significance of this variant remains unclear.

NM_020937.4(FANCM):c.3967C>T (p.Pro1323Ser)

Gene: FANCM (FA complementation group M; plus strand). Cytogenetic location: 14q21.2.
Variant type: single nucleotide variant.
Coding change: c.3967C>T on transcript NM_020937.4 (MANE Select); coding-DNA position 3967, C replaced by T.
Protein change: p.Pro1323Ser; replaces proline 1323 with serine.
Molecular consequence: missense variant.
Genome position (GRCh38, 1-based): chr14:45,176,721, C>T. VCF-style: chr14-45176721-C-T. GRCh37 (hg19) VCF-style: chr14-45645924-C-T.
Other names: c.3889C>T, p.Pro1297Ser (NM_001308133.2); short protein forms P1323S, P1297S.
Identifiers: ClinVar variation 3848754 (VCV003848754.1).